The following is an entry in ClinVar:

NC_000017.10:g.(?_15134234)_(15164044_?)dup

Gene: PMP22 (peripheral myelin protein 22; minus strand). Cytogenetic location: 17p12.
Variant type: Duplication.
Identifiers: ClinVar variation 1070721 (VCV001070721.2).

ClinVar aggregate classification (germline): Pathogenic (1 of 4 stars; one submission).

Conditions:
Charcot-Marie-Tooth disease, type I (CMT1). Also called: Charcot-Marie-Tooth disease type 1; Charcot-Marie-Tooth, Type 1. Identifiers: Orphanet 65753, MedGen C0751036, MONDO:0019011.

Submission:

Labcorp Genetics (formerly Invitae), Labcorp
Classification: Pathogenic for Charcot-Marie-Tooth disease, type I. Last evaluated: 2022-11-03. Review status: criteria provided, single submitter. Criteria: Invitae Variant Classification Sherloc (09022015). Collection method: clinical testing. Allele origin: germline.
Comment: A copy number gain of the genomic region encompassing the full coding sequence of the PMP22 gene has been identified. The boundaries of this event are unknown as they extend beyond the assayed region for this gene and therefore may encompass additional genes. As the precise location of this event is unknown, it may be in tandem or it may be located elsewhere in the genome. This assay only includes exons 2-5 of PMP22, which covers the entire coding sequence. Therefore, it is assumed that the entire gene is duplicated. Duplications of the region on chromosome 17p11.2 which contain the PMP22 gene cause Charcot-Marie-Tooth type 1A (CMT1A) (PMID: 1677316, 1822787). These reported duplications have been shown to lead to increased gene dosage as the functional defect in patients with CMT1A (PMID: 1303230). It has also been observed to segregate with disease in related individuals. For these reasons, this variant has been classified as Pathogenic.

Literature cited by the submitters: PubMed 1677316; PubMed 1822787; PubMed 1303230.